The following is an entry in ClinVar:

ClinVar aggregate classification (germline): Uncertain significance (1 of 4 stars; one submission).

Submission:

Labcorp Genetics (formerly Invitae), Labcorp
Classification: Uncertain significance. Last evaluated: 2022-06-26. Review status: criteria provided, single submitter. Criteria: Invitae Variant Classification Sherloc (09022015). Collection method: clinical testing. Allele origin: germline.
Comment: This variant has not been reported in the literature in individuals affected with DNA2-related conditions. This sequence change replaces aspartic acid, which is acidic and polar, with valine, which is neutral and non-polar, at codon 102 of the DNA2 protein (p.Asp102Val). This variant is not present in population databases (gnomAD no frequency). Algorithms developed to predict the effect of missense changes on protein structure and function are either unavailable or do not agree on the potential impact of this missense change (SIFT: "Deleterious"; PolyPhen-2: "Not Available"; Align-GVGD: "Class C0"). In summary, the available evidence is currently insufficient to determine the role of this variant in disease. Therefore, it has been classified as a Variant of Uncertain Significance.

NM_001080449.3(DNA2):c.305A>T (p.Asp102Val)

Gene: DNA2 (DNA replication helicase/nuclease 2; minus strand). Cytogenetic location: 10q21.3.
Variant type: single nucleotide variant.
Coding change: c.305A>T on transcript NM_001080449.3 (MANE Select); coding-DNA position 305, A replaced by T.
Protein change: p.Asp102Val; replaces aspartic acid 102 with valine.
Molecular consequence: missense variant. On other transcripts: non-coding transcript variant (1).
Genome position (GRCh38, 1-based): chr10:68,468,259, T>A on the plus strand (A>T on the coding strand, the complement: DNA2 is on the minus strand). VCF-style: chr10-68468259-T-A. GRCh37 (hg19) VCF-style: chr10-70228016-T-A.
Other names: short protein forms D102V.
Identifiers: ClinVar variation 2010947 (VCV002010947.4), dbSNP rs2494015251, ClinGen allele CA376830134.
Genomic context (GRCh38, chr10:68,468,259, plus strand): 5'-TCTGGATACAGAATCAAATATCCAAAATCTTTATCTATTATCCAAGTGTCAGATGTGCAG[T>A]CTCCCTCCAAATGAATGATATCTCCTGGCTCTACTGGAACAGAACACCTGAAAATAAAGC-3'
Protein context (NP_001073918.2, residues 92-112): EPGDIIHLEG[Asp102Val]CTSDTWIIDK